The following is an entry in ClinVar:

NM_006506.5(RASA2):c.1191A>T (p.Arg397Ser)

Gene: RASA2 (RAS p21 protein activator 2; plus strand). Cytogenetic location: 3q23.
Variant type: single nucleotide variant.
Coding change: c.1191A>T on transcript NM_006506.5 (MANE Select); coding-DNA position 1191, A replaced by T.
Protein change: p.Arg397Ser; replaces arginine 397 with serine.
Molecular consequence: missense variant.
Genome position (GRCh38, 1-based): chr3:141,572,630, A>T. VCF-style: chr3-141572630-A-T. GRCh37 (hg19) VCF-style: chr3-141291472-A-T.
Other names: c.1191A>T, p.Arg397Ser (NM_001303245.3, NM_001303246.3); short protein forms R397S.
Identifiers: ClinVar variation 2447622 (VCV002447622.2), dbSNP rs2478720009, ClinGen allele CA354777385.

ClinVar aggregate classification (germline): Uncertain significance (1 of 4 stars; one submission).

Submission:

Ambry Genetics
Classification: Uncertain significance. Last evaluated: 2022-11-15. Review status: criteria provided, single submitter. Criteria: Ambry Variant Classification Scheme 2023. Collection method: clinical testing. Allele origin: germline.
Comment: The p.R397S variant (also known as c.1191A>T), located in coding exon 12 of the RASA2 gene, results from an A to T substitution at nucleotide position 1191. The arginine at codon 397 is replaced by serine, an amino acid with dissimilar properties. This amino acid position is conserved. In addition, this alteration is predicted to be deleterious by in silico analysis. Since supporting evidence is limited at this time, the clinical significance of this alteration remains unclear.